The following is an entry in ClinVar:

ClinVar aggregate classification (germline): Uncertain significance (1 of 4 stars; one submission).

Conditions:
Hereditary spastic paraplegia 54. Also called: Spastic paraplegia 54, autosomal recessive. Identifiers: Orphanet 320380, MedGen C3539495, MONDO:0014018, OMIM 615033.

Submission:

Labcorp Genetics (formerly Invitae), Labcorp
Classification: Uncertain significance for Hereditary spastic paraplegia 54. Last evaluated: 2022-08-20. Review status: criteria provided, single submitter. Criteria: Invitae Variant Classification Sherloc (09022015). Collection method: clinical testing. Allele origin: germline.
Comment: This sequence change falls in intron 3 of the DDHD2 gene. It does not directly change the encoded amino acid sequence of the DDHD2 protein. It affects a nucleotide within the consensus splice site. This variant is not present in population databases (gnomAD no frequency). This variant has not been reported in the literature in individuals affected with DDHD2-related conditions. Variants that disrupt the consensus splice site are a relatively common cause of aberrant splicing (PMID: 17576681, 9536098). Algorithms developed to predict the effect of sequence changes on RNA splicing suggest that this variant is not likely to affect RNA splicing. In summary, the available evidence is currently insufficient to determine the role of this variant in disease. Therefore, it has been classified as a Variant of Uncertain Significance.

Literature cited by the submitters: PubMed 17576681; PubMed 9536098.

NM_015214.3(DDHD2):c.411+4T>C

Gene: DDHD2 (DDHD domain containing 2; plus strand). Cytogenetic location: 8p11.23.
Variant type: single nucleotide variant.
Coding change: c.411+4T>C on transcript NM_015214.3 (MANE Select); 4 bases into the intron after coding-DNA position 411, T replaced by C.
Molecular consequence: intron variant.
Genome position (GRCh38, 1-based): chr8:38,234,588, T>C. VCF-style: chr8-38234588-T-C. GRCh37 (hg19) VCF-style: chr8-38092106-T-C.
Other names: c.411+4T>C (NM_001362914.2, NM_001362913.2, NM_001362912.2 and 3 more transcripts).
Identifiers: ClinVar variation 2025193 (VCV002025193.1), dbSNP rs1804555428, ClinGen allele CA1777456639.